The following is an entry in ClinVar:

NM_005188.4(CBL):c.1321A>T (p.Ser441Cys)

Gene: CBL (Cbl proto-oncogene; plus strand). Cytogenetic location: 11q23.3.
Variant type: single nucleotide variant.
Coding change: c.1321A>T on transcript NM_005188.4 (MANE Select); coding-DNA position 1321, A replaced by T.
Protein change: p.Ser441Cys; replaces serine 441 with cysteine.
Molecular consequence: missense variant.
Genome position (GRCh38, 1-based): chr11:119,278,603, A>T. VCF-style: chr11-119278603-A-T. GRCh37 (hg19) VCF-style: chr11-119149313-A-T.
Other names: short protein forms S441C.
Identifiers: ClinVar variation 3708215 (VCV003708215.2).

ClinVar aggregate classification (germline): Uncertain significance (1 of 4 stars; one submission).

Conditions:
RASopathy. Also called: rasopathies; Noonan spectrum disorder. Identifiers: Orphanet 536391, MedGen C5555857, MONDO:0021060.

gnomAD v4.1: 4 of 1,613,978 alleles (0.00025%); highest among the groups gnomAD compares: Non-Finnish European, 0.00034%; no homozygotes.

Submission:

Labcorp Genetics (formerly Invitae), Labcorp
Classification: Uncertain significance for RASopathy. Last evaluated: 2024-05-19. Review status: criteria provided, single submitter. Criteria: Invitae Variant Classification Sherloc (09022015). Collection method: clinical testing. Allele origin: germline.
Comment: This sequence change replaces serine, which is neutral and polar, with cysteine, which is neutral and slightly polar, at codon 441 of the CBL protein (p.Ser441Cys). This variant is not present in population databases (gnomAD no frequency). This variant has not been reported in the literature in individuals affected with CBL-related conditions. Advanced modeling of protein sequence and biophysical properties (such as structural, functional, and spatial information, amino acid conservation, physicochemical variation, residue mobility, and thermodynamic stability) performed at Invitae indicates that this missense variant is not expected to disrupt CBL protein function with a negative predictive value of 95%. In summary, the available evidence is currently insufficient to determine the role of this variant in disease. Therefore, it has been classified as a Variant of Uncertain Significance.